The following is an entry in ClinVar:

ClinVar aggregate classification (germline): Uncertain significance (1 of 4 stars; one submission).

Allele frequency attached by ClinVar (database versions not stated): gnomAD exomes 0.00001.
gnomAD v4.1: 10 of 1,613,492 alleles (0.00062%); highest among the groups gnomAD compares: Non-Finnish European, 0.00085%; no homozygotes.

Submission:

GeneDx
Classification: Uncertain significance. Last evaluated: 2025-10-29. Review status: criteria provided, single submitter. Criteria: GeneDx Variant Classification Process June 2021. Collection method: clinical testing. Allele origin: germline.
Comment: Not observed at significant frequency in large population cohorts (gnomAD); In silico analysis supports that this missense variant has a deleterious effect on protein structure/function; Has not been previously published as pathogenic or benign to our knowledge

NM_006348.5(COG5):c.1635A>T (p.Arg545Ser)

Genes: COG5 (component of oligomeric golgi complex 5; minus strand), LOC129389837 (MPRA-validated peak6677 silencer; plus strand). Cytogenetic location: 7q22.3.
Variant type: single nucleotide variant.
Coding change: c.1635A>T on transcript NM_006348.5 (MANE Select); coding-DNA position 1635, A replaced by T.
Protein change: p.Arg545Ser; replaces arginine 545 with serine.
Molecular consequence: missense variant. On other transcripts: intron variant (1).
Genome position (GRCh38, 1-based): chr7:107,258,324, T>A on the plus strand (A>T on the coding strand, the complement: COG5 is on the minus strand). VCF-style: chr7-107258324-T-A. GRCh37 (hg19) VCF-style: chr7-106898769-T-A.
Other names: c.1635A>T, p.Arg545Ser (NM_001379513.1, NM_001379514.1, NM_181733.4 and 1 more transcripts); c.1065A>T, p.Arg355Ser (NM_001379515.1); c.921A>T, p.Arg307Ser (NM_001379516.1); c.1728A>T (NM_181733.2); c.1576-9825A>T (NM_001379512.1); c.1473A>T, p.Arg491Ser (NM_001379511.1); short protein forms R307S, R355S, R491S, R545S.
Identifiers: ClinVar variation 1703301 (VCV001703301.3), dbSNP rs1562937094, ClinGen allele CA368941080.
Genomic context (GRCh38, chr7:107,258,324, plus strand): 5'-AATAGTTACCTTTGTTACTGATTGGTGCAACTTATACAATGAATTCACTACTGCCACATT[T>A]CTTCTCTGTCCTTCAGTAAGAGGCCCAATCACCTGACTTGCATCTCCTTGTGTGGAGAGC-3'
Protein context (NP_006339.4, residues 535-555): VIGPLTEGQR[Arg545Ser]NVAVVNSLYK